The following is an entry in ClinVar:

ClinVar aggregate classification (germline): Uncertain significance (1 of 4 stars; one submission).

Submission:

Ambry Genetics
Classification: Uncertain significance. Last evaluated: 2026-05-21. Review status: criteria provided, single submitter. Criteria: Ambry Variant Classification Scheme 2023. Collection method: clinical testing. Allele origin: germline.
Comment: The p.S528P variant (also known as c.1582T>C), located in coding exon 8 of the RNF43 gene, results from a T to C substitution at nucleotide position 1582. The serine at codon 528 is replaced by proline, an amino acid with similar properties. This amino acid position is conserved. In addition, this alteration is predicted to be tolerated by in silico analysis. Based on the available evidence, the clinical significance of this variant remains unclear.

NM_017763.6(RNF43):c.1582T>C (p.Ser528Pro)

Gene: RNF43 (ring finger protein 43; minus strand). Cytogenetic location: 17q22.
Variant type: single nucleotide variant.
Coding change: c.1582T>C on transcript NM_017763.6 (MANE Select); coding-DNA position 1582, T replaced by C.
Protein change: p.Ser528Pro; replaces serine 528 with proline.
Molecular consequence: missense variant.
Genome position (GRCh38, 1-based): chr17:58,358,194, A>G on the plus strand (T>C on the coding strand, the complement: RNF43 is on the minus strand). VCF-style: chr17-58358194-A-G. GRCh37 (hg19) VCF-style: chr17-56435555-A-G.
Other names: c.1582T>C, p.Ser528Pro (NM_001305544.3, NM_001438820.1, NM_001438821.1 and 1 more transcripts); c.1201T>C, p.Ser401Pro (NM_001305545.2, NM_001437987.1); short protein forms S401P, S528P.
Identifiers: ClinVar variation 4863423 (VCV004863423.1).